The following is an entry in ClinVar:

NM_000256.3(MYBPC3):c.2275G>A (p.Glu759Lys)

Gene: MYBPC3 (myosin binding protein C3; minus strand). Cytogenetic location: 11p11.2.
Variant type: single nucleotide variant.
Coding change: c.2275G>A on transcript NM_000256.3 (MANE Select); coding-DNA position 2275, G replaced by A.
Protein change: p.Glu759Lys; replaces glutamic acid 759 with lysine.
Molecular consequence: missense variant.
Genome position (GRCh38, 1-based): chr11:47,338,553, C>T on the plus strand (G>A on the coding strand, the complement: MYBPC3 is on the minus strand). VCF-style: chr11-47338553-C-T. GRCh37 (hg19) VCF-style: chr11-47360104-C-T.
Other names: short protein forms E759K.
Identifiers: ClinVar variation 843772 (VCV000843772.26), dbSNP rs750810342, ClinGen allele CA078609.

ClinVar aggregate classification (germline): Uncertain significance. Review status: criteria provided, multiple submitters, no conflicts (2 of 4 stars). 12 submissions from 12 submitters: Uncertain significance (9). 3 of the submissions do not count toward it. Last evaluated 2026-08-14.

Conditions:
Cardiovascular phenotype. Identifiers: MedGen CN230736.
Hypertrophic cardiomyopathy. Also called: HYPERTROPHIC MYOCARDIOPATHY. Identifiers: Orphanet 217569, MedGen C0007194, MeSH D002312, MONDO:0005045, HP:0001639.
MYBPC3-related disorder. Also called: MYBPC3-related condition; MYBPC3-related disease; MYBPC3-related disorders.
Cardiomyopathy (CMYO). Also called: Cardiomyopathies. Identifiers: Orphanet 167848, MedGen C0878544, MONDO:0004994, HP:0001638. Inheritance: Various modes of inheritance.

Allele frequency attached by ClinVar (database versions not stated): gnomAD exomes 0.00001 and 0.00002; ExAC 0.00002; gnomAD 0.00002; TOPMed 0.00003.
gnomAD v4.1: 15 of 1,613,920 alleles (0.00093%); highest among the groups gnomAD compares: East Asian, 0.016%; no homozygotes.

Submissions (12):

PreventionGenetics, part of Exact Sciences
Classification: Uncertain significance for MYBPC3-related condition. Last evaluated: 2026-08-14. Review status: criteria provided, single submitter. Criteria: ACMG Guidelines, 2015. Collection method: clinical testing. Allele origin: germline.
Comment: The MYBPC3 c.2275G>A variant is predicted to result in the amino acid substitution p.Glu759Lys. This variant has been reported in one individual with hypertrophic cardiomyopathy, who also carried a rare MYH7 variant (p.Arg652Ser) (Table S1 & S2, Wang et al. 2014. PubMed ID: 25132132), and found along with a second MYBPC3 variant in another individual with hypertrophic cardiomyopathy (Teramoto et al. 2018. PubMed ID: 29398688). This variant is reported in 0.020% of alleles in individuals of East Asian descent in gnomAD. At this time, the clinical significance of this variant is uncertain due to the absence of conclusive functional and genetic evidence.

Women's Health and Genetics/Laboratory Corporation of America, LabCorp
Classification: Uncertain significance. Last evaluated: 2026-04-27. Review status: criteria provided, single submitter. Criteria: LabCorp Variant Classification Summary - May 2015. Collection method: clinical testing. Allele origin: germline.
Comment: Variant summary: MYBPC3 c.2275G>A (p.Glu759Lys) results in a conservative amino acid change in the encoded protein sequence. Algorithms developed to predict the effect of missense changes on protein structure and function are either unavailable or do not agree on the potential impact of this missense change. The variant allele was found at a frequency of 1.6e-05 in 249224 control chromosomes. The available data on variant occurrences in the general population are insufficient to allow any conclusion about variant significance. c.2275G>A has been observed in individual(s) affected with Cardiomyopathy. These report(s) do not provide unequivocal conclusions about association of the variant with Cardiomyopathy. Co-occurrences with other pathogenic variant(s) have been reported (MYBPC3 c.1156G>T, p.Glu386Ter), providing supporting evidence for a benign role. To our knowledge, no experimental evidence demonstrating an impact on protein function has been reported. The following publications have been ascertained in the context of this evaluation (PMID: 25132132, 29398688, 33495596, 39272661). ClinVar contains an entry for this variant (Variation ID: 843772). Based on the evidence outlined above, the variant was classified as uncertain significance.

Molecular Diagnostic Laboratory for Inherited Cardiovascular Disease, Montreal Heart Institute
Classification: Uncertain significance for Cardiovascular phenotype. Last evaluated: 2026-03-27. Review status: criteria provided, single submitter. Criteria: ACMG Guidelines, 2015. Collection method: clinical testing. Allele origin: germline. Affected: yes.
Comment: PS4_supp, PM2

GeneDx
Classification: Uncertain significance. Last evaluated: 2025-11-18. Review status: criteria provided, single submitter. Criteria: GeneDx Variant Classification Process June 2021. Collection method: clinical testing. Allele origin: germline. Affected: yes.
Comment: In silico analysis supports that this missense variant has a deleterious effect on protein structure/function; Not observed at significant frequency in large population cohorts (gnomAD); This variant is associated with the following publications: (PMID: 29398688, 25132132, 39272661, 25351510, 33495596)

Dasa
Classification: Uncertain significance. Last evaluated: 2025-07-07. Review status: criteria provided, single submitter. Criteria: DASA Assertion Criteria. Collection method: clinical testing. Allele origin: germline.
Comment: NM_000256.3(MYBPC3):c.2275G>A (p.Glu759Lys) is a missense variant that results in the substitution of glutamic acid with lysine. This variant is rare in population databases. Computational prediction algorithms are consistent with a deleterious effect. The currently available literature and clinical evidence are not sufficient to establish a definitive association between this variant and the reported condition. Therefore, this variant is classified as a variant of uncertain significance.

Labcorp Genetics (formerly Invitae), Labcorp
Classification: Uncertain significance for Hypertrophic cardiomyopathy. Last evaluated: 2025-05-21. Review status: criteria provided, single submitter. Criteria: Invitae Variant Classification Sherloc (09022015). Collection method: clinical testing. Allele origin: germline.
Comment: This sequence change replaces glutamic acid, which is acidic and polar, with lysine, which is basic and polar, at codon 759 of the MYBPC3 protein (p.Glu759Lys). This variant is present in population databases (rs750810342, gnomAD 0.02%). This missense change has been observed in individual(s) with hypertrophic cardiomyopathy (PMID: 25132132, 25351510, 29398688, 33495596). ClinVar contains an entry for this variant (Variation ID: 843772). An algorithm developed to predict the effect of missense changes on protein structure and function (PolyPhen-2) suggests that this variant is likely to be disruptive. In summary, the available evidence is currently insufficient to determine the role of this variant in disease. Therefore, it has been classified as a Variant of Uncertain Significance.

All of Us Research Program, National Institutes of Health
Classification: Uncertain significance for Hypertrophic cardiomyopathy. Last evaluated: 2024-07-20. Review status: criteria provided, single submitter. Criteria: ACMG Guidelines, 2015. Collection method: clinical testing. Allele origin: germline. Inheritance: Autosomal dominant inheritance. Observed: 1 variant allele, 1 heterozygote.
Comment: This missense variant replaces glutamic acid with lysine at codon 759 of the MYBPC3 protein. Computational prediction suggests that this variant may have deleterious impact on protein structure and function (internally defined REVEL score threshold >= 0.7, PMID: 27666373). To our knowledge, functional studies have not been reported for this variant. This variant has been reported in two individuals affected with hypertrophic cardiomyopathy (PMID: 25132132, 29398688). However, one of them had a pathogenic co-variant in MYBPC3 (PMID: 29398688). This variant has been identified in 5/280616 chromosomes in the general population by the Genome Aggregation Database (gnomAD). The available evidence is insufficient to determine the role of this variant in disease conclusively. Therefore, this variant is classified as a Variant of Uncertain Significance.

This study involves interpretation of variants in research participants for the purpose of population health screening. Participant phenotype was not available at the time of variant classification. Additional details can be found in publication PMID: 35346344, PMCID: PMC8962531

Color Diagnostics, LLC DBA Color Health
Classification: Uncertain significance for Cardiomyopathy. Last evaluated: 2024-07-11. Review status: criteria provided, single submitter. Criteria: ACMG Guidelines, 2015. Collection method: clinical testing. Allele origin: germline.
Comment: This missense variant replaces glutamic acid with lysine at codon 759 of the MYBPC3 protein. Computational prediction tools indicate that this variant has a deleterious impact on protein structure and function. To our knowledge, functional studies have not been reported for this variant. This variant has been reported in several individuals affected with hypertrophic cardiomyopathy (PMID: 25132132, 25351510, 29398688, 33495596). One of these individuals also carried a pathogenic truncation variant in the same gene (PMID: 29398688). This variant has been identified in 5/280616 chromosomes in the general population by the Genome Aggregation Database (gnomAD). The available evidence is insufficient to determine the role of this variant in disease conclusively. Therefore, this variant is classified as a Variant of Uncertain Significance.

Ambry Genetics
Classification: Uncertain significance for Cardiovascular phenotype. Last evaluated: 2022-12-27. Review status: criteria provided, single submitter. Criteria: Ambry Variant Classification Scheme 2023. Collection method: clinical testing. Allele origin: germline.
Comment: The p.E759K variant (also known as c.2275G>A), located in coding exon 23 of the MYBPC3 gene, results from a G to A substitution at nucleotide position 2275. The glutamic acid at codon 759 is replaced by lysine, an amino acid with similar properties. This variant has been detected in individuals with hypertrophic cardiomyopathy (HCM) and in HCM cohorts; however, it co-occurred with other variants in HCM-related genes in some cases, and/or clinical detail was limited (Lopes LR et al. Heart, 2015 Feb;101:294-301; Wang J et al. Eur J Heart Fail, 2014 Sep;16:950-7; Teramoto R et al. Circ J, 2018 Mar;82:1139-1148; Tadros R et al. Nat Genet, 2021 Feb;53:128-134). This variant has also been detected in cohorts not selected for the presence of cardiomyopathy (Yamaguchi-Kabata Y et al. J Hum Genet, 2018 Feb;63:213-230; Cao Y et al. Cell Res, 2020 Sep;30:717-731). This amino acid position is highly conserved in available vertebrate species. In addition, this alteration is predicted to be deleterious by in silico analysis. Since supporting evidence is limited at this time, the clinical significance of this alteration remains unclear.

Clinical Genetics, Academic Medical Center
Classification: Uncertain significance. Review status: no assertion criteria provided. Collection method: clinical testing. Allele origin: germline. Affected: yes. Study: VKGL Data-share Consensus. Not counted in ClinVar's aggregate classification.

Genome Diagnostics Laboratory, University Medical Center Utrecht
Classification: Uncertain significance. Review status: no assertion criteria provided. Collection method: clinical testing. Allele origin: germline. Affected: yes. Study: VKGL Data-share Consensus. Not counted in ClinVar's aggregate classification.

Joint Genome Diagnostic Labs from Nijmegen and Maastricht, Radboudumc and MUMC+
Classification: Uncertain significance. Review status: no assertion criteria provided. Collection method: clinical testing. Allele origin: germline. Affected: yes. Study: VKGL Data-share Consensus. Not counted in ClinVar's aggregate classification.

Literature cited by the submitters: PubMed 25132132 (cited by 5 submitters); PubMed 29398688 (cited by 5 submitters); PubMed 33495596 (cited by 4 submitters); PubMed 39272661 (cited by Women's Health and Genetics/Laboratory Corporation of America, LabCorp); PubMed 25351510 (cited by 3 submitters); PubMed 29192238 (cited by Ambry Genetics); PubMed 32355288 (cited by Ambry Genetics); PubMed 33495597 (cited by Ambry Genetics).